The following is an entry in ClinVar:

NM_178452.6(DNAAF1):c.1988C>T (p.Pro663Leu)

Gene: DNAAF1 (dynein axonemal assembly factor 1; plus strand). Cytogenetic location: 16q24.1.
Variant type: single nucleotide variant.
Coding change: c.1988C>T on transcript NM_178452.6 (MANE Select); coding-DNA position 1988, C replaced by T.
Protein change: p.Pro663Leu; replaces proline 663 with leucine.
Molecular consequence: missense variant.
Genome position (GRCh38, 1-based): chr16:84,176,222, C>T. VCF-style: chr16-84176222-C-T. GRCh37 (hg19) VCF-style: chr16-84209828-C-T.
Other names: c.1280C>T, p.Pro427Leu (NM_001318756.1); short protein forms P663L, P427L.
Identifiers: ClinVar variation 227313 (VCV000227313.11), dbSNP rs147393144, ClinGen allele CA8203073.

ClinVar aggregate classification (germline): Conflicting classifications of pathogenicity. Review status: criteria provided, conflicting classifications (1 of 4 stars). 3 submissions from 3 submitters: Uncertain significance (1); Benign (1); Likely benign (1). Last evaluated 2024-05-26.

Conditions:
Primary ciliary dyskinesia. Also called: Ciliary dyskinesia. Identifiers: Orphanet 244, MedGen C0008780, MONDO:0016575, HP:0012265.

Allele frequency attached by ClinVar (database versions not stated): gnomAD exomes 0.00004 and 0.00013; 1000 Genomes Project 30x 0.00016; ExAC 0.00017; 1000 Genomes Project 0.00020; ESP Exome Variant Server 0.00038; gnomAD 0.00048 and 0.00053; TOPMed 0.00063.

Submissions (3):

Ambry Genetics
Classification: Benign for Primary ciliary dyskinesia. Last evaluated: 2024-05-26. Review status: criteria provided, single submitter. Criteria: Ambry Variant Classification Scheme 2023. Collection method: clinical testing. Allele origin: germline.

Labcorp Genetics (formerly Invitae), Labcorp
Classification: Uncertain significance for Primary ciliary dyskinesia. Last evaluated: 2022-03-16. Review status: criteria provided, single submitter. Criteria: Invitae Variant Classification Sherloc (09022015). Collection method: clinical testing. Allele origin: germline.
Comment: This sequence change replaces proline, which is neutral and non-polar, with leucine, which is neutral and non-polar, at codon 663 of the DNAAF1 protein (p.Pro663Leu). This variant is present in population databases (rs147393144, gnomAD 0.2%). This variant has not been reported in the literature in individuals affected with DNAAF1-related conditions. ClinVar contains an entry for this variant (Variation ID: 227313). Algorithms developed to predict the effect of missense changes on protein structure and function output the following: SIFT: "Tolerated"; PolyPhen-2: "Benign"; Align-GVGD: "Class C0". The leucine amino acid residue is found in multiple mammalian species, which suggests that this missense change does not adversely affect protein function. In summary, the available evidence is currently insufficient to determine the role of this variant in disease. Therefore, it has been classified as a Variant of Uncertain Significance.

Laboratory for Molecular Medicine, Mass General Brigham Personalized Medicine
Classification: Likely benign. Last evaluated: 2016-02-15. Review status: criteria provided, single submitter. Criteria: LMM Criteria. Collection method: clinical testing. Allele origin: germline. Observed: 1 variant allele.
Comment: p.Pro663Leu in exon 11 of DNAAF1: This variant has been identified in 0.17% (17/ 10216) of African chromosomes by the Exome Aggregation Consortium (ExAC; dbSNP rs147393144). This frequency in addition to the p oor evolutionary conservation of the affected amino acid (including two mammalia n species who carry the variant amino acid) make a primary disease causing role unlikely although a modifying role cannot be ruled out.